The following is an entry in ClinVar:

ClinVar aggregate classification (germline): Uncertain significance (1 of 4 stars; one submission).

gnomAD v4.1: 3 of 1,610,298 alleles (0.00019%); highest among the groups gnomAD compares: Non-Finnish European, 0.00017%; no homozygotes.

Submission:

Labcorp Genetics (formerly Invitae), Labcorp
Classification: Uncertain significance. Last evaluated: 2024-08-08. Review status: criteria provided, single submitter. Criteria: Invitae Variant Classification Sherloc (09022015). Collection method: clinical testing. Allele origin: germline.
Comment: This sequence change replaces arginine, which is basic and polar, with serine, which is neutral and polar, at codon 535 of the KANK2 protein (p.Arg535Ser). This variant is not present in population databases (gnomAD no frequency). This variant has not been reported in the literature in individuals affected with KANK2-related conditions. An algorithm developed to predict the effect of missense changes on protein structure and function (PolyPhen-2) suggests that this variant is likely to be tolerated. In summary, the available evidence is currently insufficient to determine the role of this variant in disease. Therefore, it has been classified as a Variant of Uncertain Significance.

NM_001136191.3(KANK2):c.1605G>T (p.Arg535Ser)

Gene: KANK2 (KN motif and ankyrin repeat domains 2; minus strand). Cytogenetic location: 19p13.2.
Variant type: single nucleotide variant.
Coding change: c.1605G>T on transcript NM_001136191.3 (MANE Select); coding-DNA position 1605, G replaced by T.
Protein change: p.Arg535Ser; replaces arginine 535 with serine.
Molecular consequence: missense variant.
Genome position (GRCh38, 1-based): chr19:11,176,733, C>A on the plus strand (G>T on the coding strand, the complement: KANK2 is on the minus strand). VCF-style: chr19-11176733-C-A. GRCh37 (hg19) VCF-style: chr19-11287409-C-A.
Other names: c.1629G>T, p.Arg543Ser (NM_001379548.1, NM_001379549.1, NM_001379550.1 and 5 more transcripts); c.1605G>T, p.Arg535Ser (NM_001379555.1, NM_001379556.1, NM_001379557.1 and 7 more transcripts); short protein forms R535S, R543S.
Identifiers: ClinVar variation 3672429 (VCV003672429.2).